The following is an entry in ClinVar:

ClinVar aggregate classification (germline): Uncertain significance. Review status: criteria provided, multiple submitters, no conflicts (2 of 4 stars). 2 submissions from 2 submitters: Uncertain significance (2). Last evaluated 2022-08-02.

Conditions:
Familial sleep-related hypermotor epilepsy. Also called: Autosomal Dominant Sleep-Related Hypermotor (Hyperkinetic) Epilepsy. Identifiers: Orphanet 98784, MedGen C3696898, MONDO:0000030.
Inborn genetic diseases. Identifiers: MedGen C0950123, MeSH D030342.

Submissions (2):

Labcorp Genetics (formerly Invitae), Labcorp
Classification: Uncertain significance. Last evaluated: 2022-08-02. Review status: criteria provided, single submitter. Criteria: Invitae Variant Classification Sherloc (09022015). Collection method: clinical testing. Allele origin: germline.
Comment: In summary, the available evidence is currently insufficient to determine the role of this variant in disease. Therefore, it has been classified as a Variant of Uncertain Significance. Algorithms developed to predict the effect of missense changes on protein structure and function (SIFT, PolyPhen-2, Align-GVGD) all suggest that this variant is likely to be disruptive. ClinVar contains an entry for this variant (Variation ID: 1044613). This variant has not been reported in the literature in individuals affected with CHRNA2-related conditions. This variant is not present in population databases (gnomAD no frequency). This sequence change replaces glycine, which is neutral and non-polar, with glutamic acid, which is acidic and polar, at codon 153 of the CHRNA2 protein (p.Gly153Glu).

Ambry Genetics
Classification: Uncertain significance for Inborn genetic diseases. Last evaluated: 2017-11-29. Review status: criteria provided, single submitter. Criteria: Ambry Variant Classification Scheme 2023. Collection method: clinical testing. Allele origin: germline.
Comment: The p.G153E variant (also known as c.458G>A), located in coding exon 5 of the CHRNA2 gene, results from a G to A substitution at nucleotide position 458. The glycine at codon 153 is replaced by glutamic acid, an amino acid with similar properties. This amino acid position is highly conserved in available vertebrate species. In addition, this alteration is predicted to be deleterious by in silico analysis. Since supporting evidence is limited at this time, the clinical significance of this alteration remains unclear.

NM_000742.4(CHRNA2):c.458G>A (p.Gly153Glu)

Gene: CHRNA2 (cholinergic receptor nicotinic alpha 2 subunit; minus strand). Cytogenetic location: 8p21.2.
Variant type: single nucleotide variant.
Coding change: c.458G>A on transcript NM_000742.4 (MANE Select); coding-DNA position 458, G replaced by A.
Protein change: p.Gly153Glu; replaces glycine 153 with glutamic acid.
Molecular consequence: missense variant. On other transcripts: 5 prime UTR variant (2), intron variant (2).
Genome position (GRCh38, 1-based): chr8:27,463,985, C>T on the plus strand (G>A on the coding strand, the complement: CHRNA2 is on the minus strand). VCF-style: chr8-27463985-C-T. GRCh37 (hg19) VCF-style: chr8-27321502-C-T.
Other names: c.413G>A, p.Gly138Glu (NM_001282455.2); c.-20G>A (NM_001347705.2, NM_001347706.2); c.-12-125G>A (NM_001347708.2); c.-9-128G>A (NM_001347707.2); short protein forms G138E, G153E.
Identifiers: ClinVar variation 1044613 (VCV001044613.7), dbSNP rs1812618871, ClinGen allele CA370811562.